The following is an entry in ClinVar:

ClinVar aggregate classification (germline): Uncertain significance (1 of 4 stars; one submission).

Submission:

Ambry Genetics
Classification: Uncertain significance. Last evaluated: 2025-02-11. Review status: criteria provided, single submitter. Criteria: Ambry Variant Classification Scheme 2023. Collection method: clinical testing. Allele origin: germline.
Comment: The p.C191R variant (also known as c.571T>C), located in coding exon 1 of the MC1R gene, results from a T to C substitution at nucleotide position 571. The cysteine at codon 191 is replaced by arginine, an amino acid with highly dissimilar properties. This amino acid position is conserved. In addition, the in silico prediction for this alteration is inconclusive. Based on the available evidence, the clinical significance of this variant remains unclear.

NM_002386.4(MC1R):c.571T>C (p.Cys191Arg)

Gene: MC1R (melanocortin 1 receptor; plus strand). Cytogenetic location: 16q24.3.
Variant type: single nucleotide variant.
Coding change: c.571T>C on transcript NM_002386.4 (MANE Select); coding-DNA position 571, T replaced by C.
Protein change: p.Cys191Arg; replaces cysteine 191 with arginine.
Molecular consequence: missense variant.
Genome position (GRCh38, 1-based): chr16:89,919,829, T>C. VCF-style: chr16-89919829-T-C. GRCh37 (hg19) VCF-style: chr16-89986237-T-C.
Other names: short protein forms C191R.
Identifiers: ClinVar variation 3871112 (VCV003871112.1).